The following is an entry in ClinVar:

ClinVar aggregate classification (germline): Uncertain significance. Review status: criteria provided, multiple submitters, no conflicts (2 of 4 stars). 4 submissions from 4 submitters: Uncertain significance (4). Last evaluated 2026-06-04.

Conditions:
COL1A2-related disorder. Also called: COL1A2-Related Disorders; COL1A2-related condition.
Ehlers-Danlos syndrome, classic type, 1 (EDSCL1). Also called: Ehlers-Danlos Syndrome, Classic Type, COL5A1-Related; EHLERS-DANLOS SYNDROME, GRAVIS TYPE; EHLERS-DANLOS SYNDROME, SEVERE CLASSIC TYPE; EDS I; Ehlers-Danlos syndrome, type 1. Identifiers: MedGen C0268335, MONDO:0019567, OMIM 130000.
Osteogenesis imperfecta type I (OI1). Also called: OSTEOGENESIS IMPERFECTA TARDA; OSTEOGENESIS IMPERFECTA WITH BLUE SCLERAE; Osteogenesis imperfecta type 1; OI, TYPE I; Lobstein's Disease; Lobstein disease. Identifiers: Orphanet 216796, Orphanet 666, MedGen C0023931, MONDO:0008146, OMIM 166200. Disease mechanism: loss of function.
Cardiovascular phenotype. Identifiers: MedGen CN230736.

Allele frequency attached by ClinVar (database versions not stated): gnomAD 0.00001; gnomAD exomes 0.00001 and 0.00002; TOPMed 0.00001; ExAC 0.00004.
gnomAD v4.1: 15 of 1,613,948 alleles (0.00093%); highest among the groups gnomAD compares: African/African-American, 0.0013%; no homozygotes.

Submissions (4):

PreventionGenetics, part of Exact Sciences
Classification: Uncertain significance for COL1A2-related condition. Last evaluated: 2026-06-04. Review status: criteria provided, single submitter. Criteria: ACMG Guidelines, 2015. Collection method: clinical testing. Allele origin: germline.
Comment: The COL1A2 c.3554G>A variant is predicted to result in the amino acid substitution p.Gly1185Glu. To our knowledge, this variant has not been reported in the literature. This variant is reported in 0.0044% of alleles in individuals of European (Non-Finnish) descent in gnomAD. At this time, the clinical significance of this variant is uncertain due to the absence of conclusive functional and genetic evidence.

Labcorp Genetics (formerly Invitae), Labcorp
Classification: Uncertain significance for Osteogenesis imperfecta type I; Ehlers-Danlos syndrome, classic type, 1. Last evaluated: 2025-11-23. Review status: criteria provided, single submitter. Criteria: Invitae Variant Classification Sherloc (09022015). Collection method: clinical testing. Allele origin: germline.
Comment: This sequence change replaces glycine, which is neutral and non-polar, with glutamic acid, which is acidic and polar, at codon 1185 of the COL1A2 protein (p.Gly1185Glu). This variant is present in population databases (rs766941490, gnomAD 0.004%). This variant has not been reported in the literature in individuals affected with COL1A2-related conditions. ClinVar contains an entry for this variant (Variation ID: 422636). Invitae Evidence Modeling of protein sequence and biophysical properties (such as structural, functional, and spatial information, amino acid conservation, physicochemical variation, residue mobility, and thermodynamic stability) indicates that this missense variant is expected to disrupt COL1A2 protein function with a positive predictive value of 95%. In summary, the available evidence is currently insufficient to determine the role of this variant in disease. Therefore, it has been classified as a Variant of Uncertain Significance.

GeneDx
Classification: Uncertain significance. Last evaluated: 2024-08-06. Review status: criteria provided, single submitter. Criteria: GeneDx Variant Classification Process June 2021. Collection method: clinical testing. Allele origin: germline. Affected: yes.
Comment: Has not been previously published as pathogenic or benign to our knowledge; Not located in the triple helical region, where the majority of pathogenic missense variants occur (HGMD); In silico analysis supports that this missense variant has a deleterious effect on protein structure/function

Ambry Genetics
Classification: Uncertain significance for Cardiovascular phenotype. Last evaluated: 2019-12-10. Review status: criteria provided, single submitter. Criteria: Ambry Variant Classification Scheme 2023. Collection method: clinical testing. Allele origin: germline.
Comment: The p.G1185E variant (also known as c.3554G>A), located in coding exon 50 of the COL1A2 gene, results from a G to A substitution at nucleotide position 3554. The glycine at codon 1185 is replaced by glutamic acid, an amino acid with similar properties. This amino acid position is highly conserved in available vertebrate species. In addition, this alteration is predicted to be deleterious by in silico analysis. Since supporting evidence is limited at this time, the clinical significance of this alteration remains unclear.

NM_000089.4(COL1A2):c.3554G>A (p.Gly1185Glu)

Gene: COL1A2 (collagen type I alpha 2 chain; plus strand). Cytogenetic location: 7q21.3.
Variant type: single nucleotide variant.
Coding change: c.3554G>A on transcript NM_000089.4 (MANE Select); coding-DNA position 3554, G replaced by A.
Protein change: p.Gly1185Glu; replaces glycine 1185 with glutamic acid.
Molecular consequence: missense variant.
Genome position (GRCh38, 1-based): chr7:94,428,320, G>A. VCF-style: chr7-94428320-G-A. GRCh37 (hg19) VCF-style: chr7-94057632-G-A.
Other names: short protein forms G1185E.
Identifiers: ClinVar variation 422636 (VCV000422636.16), dbSNP rs766941490, ClinGen allele CA4347789.
Genomic context (GRCh38, chr7:94,428,320, plus strand): 5'-AGTTTCATGATCTGAATGTTATTTTCTTAAAAGGTTACTACTGGATTGACCCTAACCAAG[G>A]ATGCACTATGGATGCTATCAAAGTATACTGTGATTTCTCTACTGGCGAAACCTGTATCCG-3'
Protein context (NP_000080.2, residues 1175-1195): SGYYWIDPNQ[Gly1185Glu]CTMDAIKVYC